The following is an entry in ClinVar:

ClinVar aggregate classification (germline): Pathogenic (1 of 4 stars; one submission).

Conditions:
Cystic fibrosis (CF). Also called: MUCOVISCIDOSIS. Identifiers: Orphanet 586, MedGen C0010674, MONDO:0009061, OMIM 219700. Disease mechanism: loss of function.

Submission:

Labcorp Genetics (formerly Invitae), Labcorp
Classification: Pathogenic for Cystic fibrosis. Last evaluated: 2024-07-01. Review status: criteria provided, single submitter. Criteria: Invitae Variant Classification Sherloc (09022015). Collection method: clinical testing. Allele origin: germline.
Comment: This sequence change creates a premature translational stop signal (p.Thr360Hisfs*9) in the CFTR gene. It is expected to result in an absent or disrupted protein product. Loss-of-function variants in CFTR are known to be pathogenic (PMID: 1695717, 7691345, 9725922). This variant is not present in population databases (gnomAD no frequency). This variant has not been reported in the literature in individuals affected with CFTR-related conditions. For these reasons, this variant has been classified as Pathogenic.

Literature cited by the submitters: PubMed 1695717; PubMed 7691345; PubMed 9725922.

NM_000492.4(CFTR):c.1078del (p.Thr360fs)

Gene: CFTR (CF transmembrane conductance regulator; plus strand). Cytogenetic location: 7q31.2.
Variant type: Deletion.
Coding change: c.1078del on transcript NM_000492.4 (MANE Select); coding-DNA position 1078, one base deleted (A; older notation c.1078delA).
Protein change: p.Thr360fs; shifts the reading frame from threonine 360.
Molecular consequence: frameshift variant.
Genome position (GRCh38, 1-based): chr7:117,540,308, A deleted; the last of 3 consecutive A bases (chr7:117,540,306-117,540,308); deleting any one gives the same sequence. VCF-style (leftmost placement, unchanged base first): chr7-117540305-CA-C. GRCh37 (hg19) VCF-style: chr7-117180359-CA-C.
Other names: short protein forms T360fs.
Identifiers: ClinVar variation 2744386 (VCV002744386.3), dbSNP rs2485027155, ClinGen allele CA2697557568.